The following is an entry in ClinVar:

NM_001256545.2(MEGF10):c.786A>G (p.Thr262=)

Gene: MEGF10 (multiple EGF like domains 10; plus strand). Cytogenetic location: 5q23.2.
Variant type: single nucleotide variant.
Coding change: c.786A>G on transcript NM_001256545.2 (MANE Select); coding-DNA position 786, A replaced by G.
Protein change: p.Thr262=; no amino-acid change (threonine 262 retained).
Molecular consequence: synonymous variant.
Genome position (GRCh38, 1-based): chr5:127,402,551, A>G. VCF-style: chr5-127402551-A-G. GRCh37 (hg19) VCF-style: chr5-126738243-A-G.
Other names: c.786A>G, p.Thr262= (NM_001308119.2, NM_001308121.2, NM_032446.3).
Identifiers: ClinVar variation 509780 (VCV000509780.7), dbSNP rs893078096, ClinGen allele CA446283621.

ClinVar aggregate classification (germline): Likely benign. Review status: criteria provided, multiple submitters, no conflicts (2 of 4 stars). 2 submissions from 2 submitters: Likely benign (2). Last evaluated 2025-03-31.

Conditions:
MEGF10-related myopathy (CMYO10A). Also called: Congenital myopathy 10A, severe variant. Identifiers: Orphanet 439212, MedGen C3280679, MONDO:0013731, OMIM 614399.

Submissions (2):

Labcorp Genetics (formerly Invitae), Labcorp
Classification: Likely benign for MEGF10-related myopathy. Last evaluated: 2025-03-31. Review status: criteria provided, single submitter. Criteria: Invitae Variant Classification Sherloc (09022015). Collection method: clinical testing. Allele origin: germline.

GeneDx
Classification: Likely benign. Last evaluated: 2017-06-16. Review status: criteria provided, single submitter. Criteria: GeneDx Variant Classification (06012015). Collection method: clinical testing. Allele origin: germline. Affected: yes.
Comment: This variant is considered likely benign or benign based on one or more of the following criteria: it is a conservative change, it occurs at a poorly conserved position in the protein, it is predicted to be benign by multiple in silico algorithms, and/or has population frequency not consistent with disease.